The following is an entry in ClinVar:

NM_006059.4(LAMC3):c.2374G>A (p.Gly792Ser)

Gene: LAMC3 (laminin subunit gamma 3; plus strand). Cytogenetic location: 9q34.12.
Variant type: single nucleotide variant.
Coding change: c.2374G>A on transcript NM_006059.4 (MANE Select); coding-DNA position 2374, G replaced by A.
Protein change: p.Gly792Ser; replaces glycine 792 with serine.
Molecular consequence: missense variant.
Genome position (GRCh38, 1-based): chr9:131,066,986, G>A. VCF-style: chr9-131066986-G-A. GRCh37 (hg19) VCF-style: chr9-133942373-G-A.
Other names: short protein forms G792S.
Identifiers: ClinVar variation 1351254 (VCV001351254.8), dbSNP rs139473336, ClinGen allele CA200663059.

ClinVar aggregate classification (germline): Uncertain significance (1 of 4 stars; one submission).

Allele frequency attached by ClinVar (database versions not stated): ESP Exome Variant Server 0.00008; gnomAD exomes below 0.00001; gnomAD 0.00001; TOPMed 0.00002.

Submission:

Labcorp Genetics (formerly Invitae), Labcorp
Classification: Uncertain significance. Last evaluated: 2020-11-25. Review status: criteria provided, single submitter. Criteria: Invitae Variant Classification Sherloc (09022015). Collection method: clinical testing. Allele origin: germline.
Comment: In summary, the available evidence is currently insufficient to determine the role of this variant in disease. Therefore, it has been classified as a Variant of Uncertain Significance. Algorithms developed to predict the effect of missense changes on protein structure and function are either unavailable or do not agree on the potential impact of this missense change (SIFT: "Deleterious"; PolyPhen-2: "Probably Damaging"; Align-GVGD: "Class C0"). This variant has not been reported in the literature in individuals with LAMC3-related conditions. This variant is not present in population databases (ExAC no frequency). This sequence change replaces glycine with serine at codon 792 of the LAMC3 protein (p.Gly792Ser). The glycine residue is highly conserved and there is a small physicochemical difference between glycine and serine.